The following is an entry in ClinVar:

NM_001897.5(CSPG4):c.1725T>C (p.Pro575=)

Gene: CSPG4 (chondroitin sulfate proteoglycan 4; minus strand). Cytogenetic location: 15q24.2.
Variant type: single nucleotide variant.
Coding change: c.1725T>C on transcript NM_001897.5 (MANE Select); coding-DNA position 1725, T replaced by C.
Protein change: p.Pro575=; no amino-acid change (proline 575 retained).
Molecular consequence: synonymous variant.
Genome position (GRCh38, 1-based): chr15:75,689,340, A>G on the plus strand (T>C on the coding strand, the complement: CSPG4 is on the minus strand). VCF-style: chr15-75689340-A-G. GRCh37 (hg19) VCF-style: chr15-75981681-A-G.
Identifiers: ClinVar variation 2645577 (VCV002645577.24), dbSNP rs372761533, ClinGen allele CA7670528.

ClinVar aggregate classification (germline): Likely benign (1 of 4 stars; one submission).

Allele frequency attached by ClinVar (database versions not stated): gnomAD exomes 0.00001; gnomAD 0.00002; TOPMed 0.00002; ESP Exome Variant Server 0.00008.
gnomAD v4.1: 24 of 1,611,308 alleles (0.0015%); highest among the groups gnomAD compares: African/African-American, 0.0093%; no homozygotes.

Submission:

CeGaT Center for Human Genetics Tuebingen
Classification: Likely benign. Last evaluated: 2022-04-01. Review status: criteria provided, single submitter. Criteria: CeGaT Center For Human Genetics Tuebingen Variant Classification Criteria Version 2. Collection method: clinical testing. Allele origin: germline. Affected: yes. Observed: 1 variant allele.
Comment: CSPG4: BP4, BP7